The following is an entry in ClinVar:

NM_020795.4(NLGN2):c.539T>C (p.Met180Thr)

Gene: NLGN2 (neuroligin 2; plus strand). Cytogenetic location: 17p13.1.
Variant type: single nucleotide variant.
Coding change: c.539T>C on transcript NM_020795.4 (MANE Select); coding-DNA position 539, T replaced by C.
Protein change: p.Met180Thr; replaces methionine 180 with threonine.
Molecular consequence: missense variant.
Genome position (GRCh38, 1-based): chr17:7,414,374, T>C. VCF-style: chr17-7414374-T-C. GRCh37 (hg19) VCF-style: chr17-7317693-T-C.
Other names: short protein forms M180T.
Identifiers: ClinVar variation 3602872 (VCV003602872.1).

ClinVar aggregate classification (germline): Uncertain significance (1 of 4 stars; one submission).

Submission:

GeneDx
Classification: Uncertain significance. Last evaluated: 2024-08-07. Review status: criteria provided, single submitter. Criteria: GeneDx Variant Classification Process June 2021. Collection method: clinical testing. Allele origin: germline. Affected: yes.
Comment: Not observed at significant frequency in large population cohorts (gnomAD); In silico analysis supports that this missense variant has a deleterious effect on protein structure/function; Has not been previously published as pathogenic or benign to our knowledge